The following is an entry in ClinVar:

ClinVar aggregate classification (germline): Uncertain significance. Review status: criteria provided, multiple submitters, no conflicts (2 of 4 stars). 2 submissions from 2 submitters: Uncertain significance (2). Last evaluated 2023-02-01.

Conditions:
Inborn genetic diseases. Identifiers: MedGen C0950123, MeSH D030342.

Allele frequency attached by ClinVar (database versions not stated): gnomAD exomes 0.00001; ExAC 0.00003; gnomAD 0.00003.
gnomAD v4.1: 23 of 1,606,598 alleles (0.0014%); highest among the groups gnomAD compares: Non-Finnish European, 0.0019%; no homozygotes.

Submissions (2):

GeneDx
Classification: Uncertain significance. Last evaluated: 2023-02-01. Review status: criteria provided, single submitter. Criteria: GeneDx Variant Classification Process June 2021. Collection method: clinical testing. Allele origin: germline. Affected: yes.
Comment: Not observed at significant frequency in large population cohorts (gnomAD); In silico analysis supports that this missense variant has a deleterious effect on protein structure/function; Has not been previously published as pathogenic or benign to our knowledge

Ambry Genetics
Classification: Uncertain significance for Inborn genetic diseases. Last evaluated: 2021-10-13. Review status: criteria provided, single submitter. Criteria: Ambry Variant Classification Scheme 2023. Collection method: clinical testing. Allele origin: germline.

NM_194248.3(OTOF):c.2551A>T (p.Ile851Phe)

Gene: OTOF (otoferlin; minus strand). Cytogenetic location: 2p23.3.
Variant type: single nucleotide variant.
Coding change: c.2551A>T on transcript NM_194248.3 (MANE Select); coding-DNA position 2551, A replaced by T.
Protein change: p.Ile851Phe; replaces isoleucine 851 with phenylalanine.
Molecular consequence: missense variant.
Genome position (GRCh38, 1-based): chr2:26,477,016, T>A on the plus strand (A>T on the coding strand, the complement: OTOF is on the minus strand). VCF-style: chr2-26477016-T-A. GRCh37 (hg19) VCF-style: chr2-26699884-T-A.
Other names: c.2551A>T, p.Ile851Phe (NM_001287489.2); c.310A>T, p.Ile104Phe (NM_004802.4, NM_194323.3); c.481A>T, p.Ile161Phe (NM_194322.3); short protein forms I161F, I851F, I104F.
Identifiers: ClinVar variation 2392692 (VCV002392692.3), dbSNP rs779619788, ClinGen allele CA1563855.